The following is an entry in ClinVar:

NM_152419.3(HGSNAT):c.793dup (p.Trp265fs)

Gene: HGSNAT (heparan-alpha-glucosaminide N-acetyltransferase; plus strand). Cytogenetic location: 8p11.21.
Variant type: Duplication.
Coding change: c.793dup on transcript NM_152419.3 (MANE Select); coding-DNA position 793, one base duplicated (T; older notation c.793dupT).
Protein change: p.Trp265fs; shifts the reading frame from tryptophan 265.
Molecular consequence: frameshift variant. On other transcripts: 5 prime UTR variant (1).
Genome position (GRCh38, 1-based): chr8:43,172,359, T duplicated; the last of 2 consecutive T bases (chr8:43,172,358-43,172,359); duplicating either gives the same sequence. VCF-style (leftmost placement, unchanged base first): chr8-43172357-A-AT. GRCh37 (hg19) VCF-style: chr8-43027500-A-AT.
Other names: c.793dup, p.Trp265fs (NM_001363227.2, NM_001363228.2); c.-41dup (NM_001363229.2); short protein forms W265fs.
Identifiers: ClinVar variation 2952104 (VCV002952104.3), dbSNP rs1352193481, ClinGen allele CA851977779.
Genomic context (GRCh38, chr8:43,172,357, plus strand): 5'-TGGCTTCTTCTAGGATTGCTCTTATACTCATGGTCTTTGTCAATTATGGAGGAGGAAAAT[A>AT]TTGGTACTTCAAACATGCAAGTTGGAATGGTAAGATATTTCCTAAAAGTAATGTTGCTTA-3'

ClinVar aggregate classification (germline): Pathogenic (1 of 4 stars; one submission).

Conditions:
Retinitis pigmentosa 73 (RP73). Identifiers: Orphanet 791, MedGen C4225287, MONDO:0014687, OMIM 616544.
Mucopolysaccharidosis, MPS-III-C (MPS3C). Also called: SANFILIPPO SYNDROME C; MPS III C; Mucopolysaccharidosis type IIIC (Sanfilippo C); MUCOPOLYSACCHARIDOSIS, TYPE IIIC; mucopolysaccharidosis type 3C; MPS IIIC (Sanfilippo Syndrome Type C). Identifiers: Orphanet 581, Orphanet 79271, MedGen C0086649, MONDO:0009657, OMIM 252930.

Submission:

Labcorp Genetics (formerly Invitae), Labcorp
Classification: Pathogenic for Retinitis pigmentosa 73; Mucopolysaccharidosis, MPS-III-C. Last evaluated: 2023-09-20. Review status: criteria provided, single submitter. Criteria: Invitae Variant Classification Sherloc (09022015). Collection method: clinical testing. Allele origin: germline.
Comment: For these reasons, this variant has been classified as Pathogenic. This variant has not been reported in the literature in individuals affected with HGSNAT-related conditions. This variant is not present in population databases (gnomAD no frequency). This sequence change creates a premature translational stop signal (p.Trp265Leufs*15) in the HGSNAT gene. It is expected to result in an absent or disrupted protein product. Loss-of-function variants in HGSNAT are known to be pathogenic (PMID: 17033958, 19479962).

Literature cited by the submitters: PubMed 17033958; PubMed 19479962.